The following is an entry in ClinVar:

ClinVar aggregate classification (somatic clinical impact): Tier II - Potential (1 of 4 stars; one submission).

Conditions:
Rhabdomyosarcoma. Also called: Rhabdomyosarcoma (disease). Identifiers: Orphanet 780, MedGen C0035412, MeSH D012208, MONDO:0005212, HP:0002859.

Submission:

Institute for Genomic Medicine (IGM) Clinical Laboratory, Nationwide Children's Hospital
Classification: Tier II - Potential for Rhabdomyosarcoma. Assertion type: diagnostic. Clinical significance: supports diagnosis. Last evaluated: 2024-11-19. Review status: criteria provided, single submitter. Criteria: AMP/ASCO/CAP Guidelines, 2017. Collection method: clinical testing. Allele origin: somatic. Affected: yes.
Comment: Variant has Tier II (potential) clinical significance as a diagnostic inclusion criterion in rhabdomyosarcoma, based on the following evidence: 1) Information in the literature supports potential biologic effect of variant (PMIDs: 28091594, 24530524, 33718153). 2) Assists in diagnosis alone or along with other biomarkers based on small studies or few case reports (Evidence Level D; PMIDs: 21910224, 22980975).

Literature cited by the submitters: PubMed 28091594; PubMed 24530524; PubMed 33718153; PubMed 21910224; PubMed 22980975.

NM_005676.5(RBM10):c.725-1G>C

Genes: RBM10 (RNA binding motif protein 10; plus strand), LOC126863252 (CDK7 strongly-dependent group 2 enhancer GRCh37_chrX:47037923-47039122; plus strand). Cytogenetic location: Xp11.3.
Variant type: single nucleotide variant.
Coding change: c.725-1G>C on transcript NM_005676.5 (MANE Select); the canonical splice acceptor site of the intron before coding-DNA position 725, G replaced by C.
Molecular consequence: splice acceptor variant.
Genome position (GRCh38, 1-based): chrX:47,179,318, G>C. VCF-style: chrX-47179318-G-C. GRCh37 (hg19) VCF-style: chrX-47038717-G-C.
Other names: c.920-1G>C (NM_001204468.2, NM_001440861.1); c.689-1G>C (NM_001440862.1, NM_001440863.1); c.725-1G>C (NM_001204467.2); c.494-1G>C (NM_001204466.2, NM_152856.3).
Identifiers: ClinVar variation 4530310 (VCV004530310.1).